The following is an entry in ClinVar:

NM_198525.3(KIF7):c.124C>G (p.Pro42Ala)

Gene: KIF7 (kinesin family member 7; minus strand). Cytogenetic location: 15q26.1.
Variant type: single nucleotide variant.
Coding change: c.124C>G on transcript NM_198525.3 (MANE Select); coding-DNA position 124, C replaced by G.
Protein change: p.Pro42Ala; replaces proline 42 with alanine.
Molecular consequence: missense variant.
Genome position (GRCh38, 1-based): chr15:89,652,807, G>C on the plus strand (C>G on the coding strand, the complement: KIF7 is on the minus strand). VCF-style: chr15-89652807-G-C. GRCh37 (hg19) VCF-style: chr15-90196038-G-C.
Other names: short protein forms P42A.
Identifiers: ClinVar variation 973291 (VCV000973291.11), dbSNP rs769021701, ClinGen allele CA7728687.

ClinVar aggregate classification (germline): Uncertain significance. Review status: criteria provided, multiple submitters, no conflicts (2 of 4 stars). 3 submissions from 3 submitters: Uncertain significance (3). Last evaluated 2025-10-14.

Conditions:
KIF7-related ciliopathy spectrum disorder.
Acrocallosal syndrome (ACLS). Also called: HALLUX DUPLICATION, POSTAXIAL POLYDACTYLY, AND ABSENCE OF CORPUS CALLOSUM; Schinzel syndrome 1; Absence of corpus callosum with unusual facial appearance, mental deficiency, duplication of the halluces and polydactyly. Identifiers: Orphanet 36, MedGen C0796147, MONDO:0008708, OMIM 200990.

Allele frequency attached by ClinVar (database versions not stated): gnomAD 0.00003 and 0.00004; ExAC 0.00005; TOPMed 0.00005.
gnomAD v4.1: 11 of 1,550,962 alleles (0.00071%); highest among the groups gnomAD compares: African/African-American, 0.014%; no homozygotes.

Submissions (3):

Labcorp Genetics (formerly Invitae), Labcorp
Classification: Uncertain significance for Acrocallosal syndrome. Last evaluated: 2025-10-14. Review status: criteria provided, single submitter. Criteria: Invitae Variant Classification Sherloc (09022015). Collection method: clinical testing. Allele origin: germline.
Comment: This sequence change replaces proline, which is neutral and non-polar, with alanine, which is neutral and non-polar, at codon 42 of the KIF7 protein (p.Pro42Ala). This variant is present in population databases (rs769021701, gnomAD 0.02%). This variant has not been reported in the literature in individuals affected with KIF7-related conditions. ClinVar contains an entry for this variant (Variation ID: 973291). Invitae Evidence Modeling of protein sequence and biophysical properties (such as structural, functional, and spatial information, amino acid conservation, physicochemical variation, residue mobility, and thermodynamic stability) indicates that this missense variant is not expected to disrupt KIF7 protein function with a negative predictive value of 80%. In summary, the available evidence is currently insufficient to determine the role of this variant in disease. Therefore, it has been classified as a Variant of Uncertain Significance.

GeneDx
Classification: Uncertain significance. Last evaluated: 2020-06-11. Review status: criteria provided, single submitter. Criteria: GeneDx Variant Classification Process June 2021. Collection method: clinical testing. Allele origin: germline. Affected: yes.
Comment: In silico analysis supports that this missense variant has a deleterious effect on protein structure/function; Has not been previously published as pathogenic or benign to our knowledge

Illumina Laboratory Services, Illumina
Classification: Uncertain significance for KIF7-related ciliopathy spectrum disorder. Last evaluated: 2019-10-29. Review status: criteria provided, single submitter. Criteria: ICSLVariantClassificationCriteria RUGD 01 April 2020. Collection method: clinical testing. Allele origin: unknown.
Comment: The KIF7 c.124C>G (p.Pro42Ala) variant is a missense variant. A literature search was performed for the gene, cDNA change, and amino acid change. No publications were found based on this search. This variant is reported at a frequency of 0.0001816 in the African population of the Genome Aggregation Database in a region of good sequence coverage. The Pro42 residue is located in the kinesin motor domain. Based on the limited evidence, the p.Pro42Ala variant is classified as a variant of unknown significance for KIF7-related ciliopathy spectrum disorder.